The following is an entry in ClinVar:

ClinVar aggregate classification (germline): Uncertain significance. Review status: criteria provided, multiple submitters, no conflicts (2 of 4 stars). 2 submissions from 2 submitters: Uncertain significance (2). Last evaluated 2023-06-21.

Conditions:
Inborn genetic diseases. Identifiers: MedGen C0950123, MeSH D030342.

Allele frequency attached by ClinVar (database versions not stated): ExAC 0.00001.
gnomAD v4.1: 4 of 1,545,774 alleles (0.00026%); highest among the groups gnomAD compares: African/African-American, 0.0041%; no homozygotes.

Submissions (2):

Ambry Genetics
Classification: Uncertain significance for Inborn genetic diseases. Last evaluated: 2023-06-21. Review status: criteria provided, single submitter. Criteria: Ambry Variant Classification Scheme 2023. Collection method: clinical testing. Allele origin: germline.

Labcorp Genetics (formerly Invitae), Labcorp
Classification: Uncertain significance. Last evaluated: 2022-04-07. Review status: criteria provided, single submitter. Criteria: Invitae Variant Classification Sherloc (09022015). Collection method: clinical testing. Allele origin: germline.
Comment: This sequence change replaces serine, which is neutral and polar, with threonine, which is neutral and polar, at codon 139 of the OSTM1 protein (p.Ser139Thr). This variant is present in population databases (rs770600181, gnomAD 0.007%). This variant has not been reported in the literature in individuals affected with OSTM1-related conditions. Algorithms developed to predict the effect of missense changes on protein structure and function (SIFT, PolyPhen-2, Align-GVGD) all suggest that this variant is likely to be tolerated. In summary, the available evidence is currently insufficient to determine the role of this variant in disease. Therefore, it has been classified as a Variant of Uncertain Significance.

NM_014028.4(OSTM1):c.416G>C (p.Ser139Thr)

Gene: OSTM1 (osteoclastogenesis associated transmembrane protein 1; minus strand). Cytogenetic location: 6q21.
Variant type: single nucleotide variant.
Coding change: c.416G>C on transcript NM_014028.4 (MANE Select); coding-DNA position 416, G replaced by C.
Protein change: p.Ser139Thr; replaces serine 139 with threonine.
Molecular consequence: missense variant.
Genome position (GRCh38, 1-based): chr6:108,064,286, C>G on the plus strand (G>C on the coding strand, the complement: OSTM1 is on the minus strand). VCF-style: chr6-108064286-C-G. GRCh37 (hg19) VCF-style: chr6-108385490-C-G.
Other names: c.416G>C (NM_014028.3); short protein forms S139T.
Identifiers: ClinVar variation 2421988 (VCV002421988.5), dbSNP rs770600181, ClinGen allele CA3948058.
Genomic context (GRCh38, chr6:108,064,286, plus strand): 5'-GAGAGAATCACAACTATTTGCATTCTATCTGCCATTAAGAGACTTCTGGCACAACTCTGA[C>G]TCTCTGAAGTATTCTGTAACAAAAAGAAGACAGAAAAATACAATCTGAGTATTTTCAGAC-3'
Protein context (NP_054747.2, residues 129-149): ISRAAGNTSE[Ser139Thr]QSCARSLLMA